The following is an entry in ClinVar:

ClinVar aggregate classification (germline): Uncertain significance. Review status: criteria provided, multiple submitters, no conflicts (2 of 4 stars). 2 submissions from 2 submitters: Uncertain significance (2). Last evaluated 2025-06-09.

Conditions:
Primary ciliary dyskinesia. Also called: Ciliary dyskinesia. Identifiers: Orphanet 244, MedGen C0008780, MONDO:0016575, HP:0012265.

gnomAD v4.1: 10 of 1,614,062 alleles (0.00062%); highest among the groups gnomAD compares: Non-Finnish European, 0.00085%; no homozygotes.

Submissions (2):

Ambry Genetics
Classification: Uncertain significance for Primary ciliary dyskinesia. Last evaluated: 2025-06-09. Review status: criteria provided, single submitter. Criteria: Ambry Variant Classification Scheme 2023. Collection method: clinical testing. Allele origin: germline.
Comment: The p.K669E variant (also known as c.2005A>G), located in coding exon 13 of the CCDC40 gene, results from an A to G substitution at nucleotide position 2005. The lysine at codon 669 is replaced by glutamic acid, an amino acid with similar properties. This amino acid position is conserved. In addition, the in silico prediction for this alteration is inconclusive. Based on the available evidence, the clinical significance of this variant remains unclear.

GeneDx
Classification: Uncertain significance. Last evaluated: 2023-10-31. Review status: criteria provided, single submitter. Criteria: GeneDx Variant Classification Process June 2021. Collection method: clinical testing. Allele origin: germline. Affected: yes.
Comment: Not observed at significant frequency in large population cohorts (gnomAD); In silico analysis supports that this missense variant does not alter protein structure/function; Has not been previously published as pathogenic or benign to our knowledge

NM_017950.4(CCDC40):c.2005A>G (p.Lys669Glu)

Gene: CCDC40 (coiled-coil domain 40 molecular ruler complex subunit; plus strand). Cytogenetic location: 17q25.3.
Variant type: single nucleotide variant.
Coding change: c.2005A>G on transcript NM_017950.4 (MANE Select); coding-DNA position 2005, A replaced by G.
Protein change: p.Lys669Glu; replaces lysine 669 with glutamic acid.
Molecular consequence: missense variant.
Genome position (GRCh38, 1-based): chr17:80,084,758, A>G. VCF-style: chr17-80084758-A-G. GRCh37 (hg19) VCF-style: chr17-78058557-A-G.
Other names: c.2005A>G, p.Lys669Glu (NM_001243342.2); short protein forms K669E.
Identifiers: ClinVar variation 3366250 (VCV003366250.2).
Genomic context (GRCh38, chr17:80,084,758, plus strand): 5'-TTGGGTGGGGGCAATATTCACAGGTATTTCTTTTCATCAATTCAGATGACACATCTTTCC[A>G]AAATCAACGGTGACATTGCCCAGACCACCCTGGACATCACACACACCAGCAGCAGGCTGG-3'
Protein context (NP_060420.2, residues 659-679): EKTNMMTHLS[Lys669Glu]INGDIAQTTL